The following is an entry in ClinVar:

NM_001101362.3(KBTBD13):c.914G>A (p.Gly305Asp)

Gene: KBTBD13 (kelch repeat and BTB domain containing 13; plus strand). Cytogenetic location: 15q22.31.
Variant type: single nucleotide variant.
Coding change: c.914G>A on transcript NM_001101362.3 (MANE Select); coding-DNA position 914, G replaced by A.
Protein change: p.Gly305Asp; replaces glycine 305 with aspartic acid.
Molecular consequence: missense variant.
Genome position (GRCh38, 1-based): chr15:65,077,729, G>A. VCF-style: chr15-65077729-G-A. GRCh37 (hg19) VCF-style: chr15-65370067-G-A.
Other names: short protein forms G305D.
Identifiers: ClinVar variation 1029079 (VCV001029079.6), dbSNP rs2086998690, ClinGen allele CA392864421.
Genomic context (GRCh38, chr15:65,077,729, plus strand): 5'-GGAGTTTCGTGGCCGACCTGCCGCAGCCGGCCGCCGGCGTGCCCTGCGCCCAGGCTTGTG[G>A]CCGTCTCTTCGTGTGCCTGTGGCGGCCGGCCGACACCACCGCCGTGGTGGAGTACGCAGT-3'
Protein context (NP_001094832.1, residues 295-315): AAGVPCAQAC[Gly305Asp]RLFVCLWRPA

ClinVar aggregate classification (germline): Uncertain significance. Review status: criteria provided, multiple submitters, no conflicts (2 of 4 stars). 3 submissions from 3 submitters: Uncertain significance (3). Last evaluated 2025-08-05.

Conditions:
Inborn genetic diseases. Identifiers: MedGen C0950123, MeSH D030342.
Nemaline myopathy 6 (NEM6). Also called: Nemaline myopathy 6, autosomal dominant. Identifiers: Orphanet 171439, MedGen C1836472, MONDO:0012237, OMIM 609273.

Allele frequency attached by ClinVar (database versions not stated): gnomAD exomes below 0.00001; gnomAD 0.00001; TOPMed 0.00001.

Submissions (3):

Ambry Genetics
Classification: Uncertain significance for Inborn genetic diseases. Last evaluated: 2025-08-05. Review status: criteria provided, single submitter. Criteria: Ambry Variant Classification Scheme 2023. Collection method: clinical testing. Allele origin: germline.

Labcorp Genetics (formerly Invitae), Labcorp
Classification: Uncertain significance for Nemaline myopathy 6. Last evaluated: 2022-11-09. Review status: criteria provided, single submitter. Criteria: Invitae Variant Classification Sherloc (09022015). Collection method: clinical testing. Allele origin: germline.
Comment: In summary, the available evidence is currently insufficient to determine the role of this variant in disease. Therefore, it has been classified as a Variant of Uncertain Significance. This sequence change replaces glycine, which is neutral and non-polar, with aspartic acid, which is acidic and polar, at codon 305 of the KBTBD13 protein (p.Gly305Asp). This variant is not present in population databases (gnomAD no frequency). This variant has not been reported in the literature in individuals affected with KBTBD13-related conditions. Advanced modeling of protein sequence and biophysical properties (such as structural, functional, and spatial information, amino acid conservation, physicochemical variation, residue mobility, and thermodynamic stability) performed at Invitae indicates that this missense variant is not expected to disrupt KBTBD13 protein function. ClinVar contains an entry for this variant (Variation ID: 1029079).

Baylor Genetics
Classification: Uncertain significance for Nemaline myopathy 6. Last evaluated: 2019-07-16. Review status: criteria provided, single submitter. Criteria: ACMG Guidelines, 2015. Collection method: clinical testing. Allele origin: unknown. Affected: yes.
Comment: This variant was determined to be of uncertain significance according to ACMG Guidelines, 2015 [PMID:25741868].